The following is an entry in ClinVar:

NM_005530.3(IDH3A):c.13G>T (p.Ala5Ser)

Genes: IDH3A (isocitrate dehydrogenase (NAD(+)) 3 catalytic subunit alpha; plus strand), LOC130057684 (ATAC-STARR-seq lymphoblastoid silent region 6706; plus strand). Cytogenetic location: 15q25.1.
Variant type: single nucleotide variant.
Coding change: c.13G>T on transcript NM_005530.3 (MANE Select); coding-DNA position 13, G replaced by T.
Protein change: p.Ala5Ser; replaces alanine 5 with serine.
Molecular consequence: missense variant.
Genome position (GRCh38, 1-based): chr15:78,149,416, G>T. VCF-style: chr15-78149416-G-T. GRCh37 (hg19) VCF-style: chr15-78441758-G-T.
Other names: short protein forms A5S.
Identifiers: ClinVar variation 966798 (VCV000966798.11), dbSNP rs199857658, ClinGen allele CA7680429.

ClinVar aggregate classification (germline): Uncertain significance. Review status: criteria provided, multiple submitters, no conflicts (2 of 4 stars). 4 submissions from 4 submitters: Uncertain significance (3). 1 of the submissions does not count toward it. Last evaluated 2024-07-14.

Conditions:
Retinal dystrophy. Also called: Inherited retinal dystrophy. Identifiers: Orphanet 71862, MedGen C0854723, MeSH D058499, MONDO:0019118, HP:0000556.

Allele frequency attached by ClinVar (database versions not stated): gnomAD exomes 0.00023; gnomAD 0.00026 and 0.00027; TOPMed 0.00028; ExAC 0.00034; ESP Exome Variant Server 0.00048.
gnomAD v4.1: 467 of 1,553,750 alleles (0.03%); highest among the groups gnomAD compares: Non-Finnish European, 0.036%; no homozygotes.

Submissions (4):

Ambry Genetics
Classification: Uncertain significance. Last evaluated: 2024-07-14. Review status: criteria provided, single submitter. Criteria: Ambry Variant Classification Scheme 2023. Collection method: clinical testing. Allele origin: germline.

Blueprint Genetics
Classification: Uncertain significance. Last evaluated: 2024-06-10. Review status: criteria provided, single submitter. Criteria: ACMG Guidelines, 2015. Collection method: clinical testing. Allele origin: germline.

Labcorp Genetics (formerly Invitae), Labcorp
Classification: Uncertain significance. Last evaluated: 2022-10-17. Review status: criteria provided, single submitter. Criteria: Invitae Variant Classification Sherloc (09022015). Collection method: clinical testing. Allele origin: germline.
Comment: This sequence change replaces alanine, which is neutral and non-polar, with serine, which is neutral and polar, at codon 5 of the IDH3A protein (p.Ala5Ser). This variant is present in population databases (rs199857658, gnomAD 0.05%). This variant has not been reported in the literature in individuals affected with IDH3A-related conditions. ClinVar contains an entry for this variant (Variation ID: 966798). Algorithms developed to predict the effect of missense changes on protein structure and function (SIFT, PolyPhen-2, Align-GVGD) all suggest that this variant is likely to be tolerated. In summary, the available evidence is currently insufficient to determine the role of this variant in disease. Therefore, it has been classified as a Variant of Uncertain Significance.

Institute of Human Genetics, Univ. Regensburg, Univ. Regensburg
Classification: Uncertain significance for Retinal dystrophy. Last evaluated: 2022-01-01. Review status: no assertion criteria provided. Criteria: ACMG Guidelines, 2015. Collection method: clinical testing. Allele origin: germline. Affected: yes. Not counted in ClinVar's aggregate classification.